The following is an entry in ClinVar:

NM_172232.4(ABCA5):c.3743C>T (p.Thr1248Met)

Gene: ABCA5 (ATP binding cassette subfamily A member 5; minus strand). Cytogenetic location: 17q24.3.
Variant type: single nucleotide variant.
Coding change: c.3743C>T on transcript NM_172232.4 (MANE Select); coding-DNA position 3743, C replaced by T.
Protein change: p.Thr1248Met; replaces threonine 1248 with methionine.
Molecular consequence: missense variant.
Genome position (GRCh38, 1-based): chr17:69,256,272, G>A on the plus strand (C>T on the coding strand, the complement: ABCA5 is on the minus strand). VCF-style: chr17-69256272-G-A. GRCh37 (hg19) VCF-style: chr17-67252413-G-A.
Other names: c.3743C>T, p.Thr1248Met (NM_018672.5); short protein forms T1248M.
Identifiers: ClinVar variation 3041283 (VCV003041283.2), dbSNP rs146451743, ClinGen allele CA8736916.

ClinVar aggregate classification (germline): Likely benign (0 of 4 stars; one submission).

Conditions:
ABCA5-related disorder. Also called: ABCA5-related condition.

Allele frequency attached by ClinVar (database versions not stated): 1000 Genomes Project 30x 0.00031; 1000 Genomes Project 0.00040; ExAC 0.00089; gnomAD 0.00094; TOPMed 0.00097; ESP Exome Variant Server 0.00115.
gnomAD v4.1: 2,211 of 1,592,382 alleles (0.14%); highest among the groups gnomAD compares: Non-Finnish European, 0.17%; 4 homozygotes.

Submission:

PreventionGenetics, part of Exact Sciences
Classification: Likely benign for ABCA5-related condition. Last evaluated: 2022-02-01. Review status: no assertion criteria provided. Collection method: clinical testing. Allele origin: germline.
Comment: This variant is classified as likely benign based on ACMG/AMP sequence variant interpretation guidelines (Richards et al. 2015 PMID: 25741868, with internal and published modifications).